The following is an entry in ClinVar:

NM_004100.5(EYA4):c.585G>C (p.Leu195Phe)

Gene: EYA4 (EYA transcriptional coactivator and phosphatase 4; plus strand). Cytogenetic location: 6q23.2.
Variant type: single nucleotide variant.
Coding change: c.585G>C on transcript NM_004100.5 (MANE Select); coding-DNA position 585, G replaced by C.
Protein change: p.Leu195Phe; replaces leucine 195 with phenylalanine.
Molecular consequence: missense variant.
Genome position (GRCh38, 1-based): chr6:133,462,625, G>C. VCF-style: chr6-133462625-G-C. GRCh37 (hg19) VCF-style: chr6-133783763-G-C.
Other names: c.423G>C, p.Leu141Phe (NM_001301012.2, NM_001370459.1); c.585G>C, p.Leu195Phe (NM_001301013.2, NM_172105.4); c.516G>C, p.Leu172Phe (NM_001370458.1, NM_172103.4); short protein forms L141F, L172F, L195F.
Identifiers: ClinVar variation 1316617 (VCV001316617.7), dbSNP rs1794498749, ClinGen allele CA365698712.

ClinVar aggregate classification (germline): Uncertain significance. Review status: criteria provided, multiple submitters, no conflicts (2 of 4 stars). 2 submissions from 2 submitters: Uncertain significance (2). Last evaluated 2025-04-06.

Conditions:
Dilated cardiomyopathy 1J (CMD1J). Also called: CARDIOMYOPATHY, DILATED, WITH SENSORINEURAL HEARING LOSS, AUTOSOMAL DOMINANT. Identifiers: Orphanet 217622, MedGen C1854368, MONDO:0011541, OMIM 605362.

Allele frequency attached by ClinVar (database versions not stated): gnomAD exomes below 0.00001; gnomAD 0.00001.
gnomAD v4.1: 2 of 1,613,810 alleles (0.00012%); highest among the groups gnomAD compares: African/African-American, 0.0027%; no homozygotes.

Submissions (2):

Labcorp Genetics (formerly Invitae), Labcorp
Classification: Uncertain significance for Dilated cardiomyopathy 1J. Last evaluated: 2025-04-06. Review status: criteria provided, single submitter. Criteria: Invitae Variant Classification Sherloc (09022015). Collection method: clinical testing. Allele origin: germline.
Comment: This sequence change replaces leucine, which is neutral and non-polar, with phenylalanine, which is neutral and non-polar, at codon 195 of the EYA4 protein (p.Leu195Phe). This variant is not present in population databases (gnomAD no frequency). This variant has not been reported in the literature in individuals affected with EYA4-related conditions. ClinVar contains an entry for this variant (Variation ID: 1316617). An algorithm developed to predict the effect of missense changes on protein structure and function (PolyPhen-2) suggests that this variant is likely to be disruptive. In summary, the available evidence is currently insufficient to determine the role of this variant in disease. Therefore, it has been classified as a Variant of Uncertain Significance.

GeneDx
Classification: Uncertain significance. Last evaluated: 2019-12-18. Review status: criteria provided, single submitter. Criteria: GeneDx Variant Classification Process June 2021. Collection method: clinical testing. Allele origin: germline. Affected: yes.
Comment: Has not been previously published as pathogenic or benign to our knowledge; Not observed in large population cohorts (Lek et al., 2016); In silico analysis, which includes protein predictors and evolutionary conservation, supports that this variant does not alter protein structure/function